The following is an entry in ClinVar:

ClinVar aggregate classification (germline): Uncertain significance. Review status: criteria provided, multiple submitters, no conflicts (2 of 4 stars). 3 submissions from 3 submitters: Uncertain significance (3). Last evaluated 2025-06-23.

Conditions:
Primary ciliary dyskinesia. Also called: Ciliary dyskinesia. Identifiers: Orphanet 244, MedGen C0008780, MONDO:0016575, HP:0012265.

Allele frequency attached by ClinVar (database versions not stated): gnomAD exomes below 0.00001; TOPMed 0.00003; gnomAD 0.00004.
gnomAD v4.1: 9 of 1,578,282 alleles (0.00057%); highest among the groups gnomAD compares: Admixed American, 0.013%; no homozygotes.

Submissions (3):

Ambry Genetics
Classification: Uncertain significance for Primary ciliary dyskinesia. Last evaluated: 2025-06-23. Review status: criteria provided, single submitter. Criteria: Ambry Variant Classification Scheme 2023. Collection method: clinical testing. Allele origin: germline.

Blueprint Genetics
Classification: Uncertain significance. Last evaluated: 2024-11-15. Review status: criteria provided, single submitter. Criteria: ACMG Guidelines, 2015. Collection method: clinical testing. Allele origin: germline.

Labcorp Genetics (formerly Invitae), Labcorp
Classification: Uncertain significance for Primary ciliary dyskinesia. Last evaluated: 2022-07-12. Review status: criteria provided, single submitter. Criteria: Invitae Variant Classification Sherloc (09022015). Collection method: clinical testing. Allele origin: germline.
Comment: In summary, the available evidence is currently insufficient to determine the role of this variant in disease. Therefore, it has been classified as a Variant of Uncertain Significance. Algorithms developed to predict the effect of missense changes on protein structure and function are either unavailable or do not agree on the potential impact of this missense change (SIFT: "Deleterious"; PolyPhen-2: "Probably Damaging"; Align-GVGD: "Class C0"). ClinVar contains an entry for this variant (Variation ID: 411169). This variant has not been reported in the literature in individuals affected with DNAAF2-related conditions. This variant is not present in population databases (gnomAD no frequency). This sequence change replaces proline, which is neutral and non-polar, with leucine, which is neutral and non-polar, at codon 122 of the DNAAF2 protein (p.Pro122Leu).

NM_018139.3(DNAAF2):c.365C>T (p.Pro122Leu)

Gene: DNAAF2 (dynein axonemal assembly factor 2; minus strand). Cytogenetic location: 14q21.3.
Variant type: single nucleotide variant.
Coding change: c.365C>T on transcript NM_018139.3 (MANE Select); coding-DNA position 365, C replaced by T.
Protein change: p.Pro122Leu; replaces proline 122 with leucine.
Molecular consequence: missense variant.
Genome position (GRCh38, 1-based): chr14:49,634,785, G>A on the plus strand (C>T on the coding strand, the complement: DNAAF2 is on the minus strand). VCF-style: chr14-49634785-G-A. GRCh37 (hg19) VCF-style: chr14-50101503-G-A.
Other names: c.365C>T, p.Pro122Leu (NM_001083908.2); short protein forms P122L.
Identifiers: ClinVar variation 411169 (VCV000411169.9), dbSNP rs958625302, ClinGen allele CA16614444.